The following is an entry in ClinVar:

NM_002890.3(RASA1):c.2185-5T>G

Genes: CCNH (cyclin H; minus strand), RASA1 (RAS p21 protein activator 1; plus strand). Cytogenetic location: 5q14.3.
Variant type: single nucleotide variant.
Coding change: c.2185-5T>G on transcript NM_002890.3 (MANE Select); 5 bases into the intron before coding-DNA position 2185, T replaced by G.
Molecular consequence: intron variant.
Genome position (GRCh38, 1-based): chr5:87,376,876, T>G. VCF-style: chr5-87376876-T-G. GRCh37 (hg19) VCF-style: chr5-86672693-T-G.
Other names: c.1654-5T>G (NM_022650.3); c.933+18168A>C (NM_001364075.2).
Identifiers: ClinVar variation 1328173 (VCV001328173.7), dbSNP rs2112491988, ClinGen allele CA445199607.

ClinVar aggregate classification (germline): Uncertain significance (1 of 4 stars; one submission).

Conditions:
Capillary malformation-arteriovenous malformation 1 (CMAVM1). Identifiers: Orphanet 137667, Orphanet 693907, MedGen C4747394, MONDO:0020783, OMIM 608354.

Submission:

Illumina Laboratory Services, Illumina
Classification: Uncertain significance for Capillary malformation-arteriovenous malformation 1. Last evaluated: 2024-09-09. Review status: criteria provided, single submitter. Criteria: ISL SNV Classification Criteria 03 February 2026. Collection method: clinical testing. Allele origin: unknown.
Comment: The RASA1 c.2185-5T>G variant occurs in a splice region and, to our knowledge, has not been reported in the peer-reviewed literature. This variant is not observed in version 2.1.1 or version 4.1.0 of the Genome Aggregation Database. Multiple lines of computational evidence suggest the variant may impact the gene or gene product. Based on the available evidence, the c.2185-5T>G variant is classified as a variant of uncertain significance for capillary malformation-arteriovenous malformation syndrome.